The following is an entry in ClinVar:

ClinVar aggregate classification (germline): Uncertain significance. Review status: criteria provided, multiple submitters, no conflicts (2 of 4 stars). 10 submissions from 10 submitters: Uncertain significance (9). 1 of the submissions does not count toward it. Last evaluated 2025-12-03.

Conditions:
Familial adenomatous polyposis 1 (FAP1). Also called: FAMILIAL ADENOMATOUS POLYPOSIS 1, ATTENUATED; POLYPOSIS, ADENOMATOUS INTESTINAL. Identifiers: MedGen C2713442, MONDO:0021056, OMIM 175100. Disease mechanism: loss of function.
Hepatocellular carcinoma (HCC). Also called: Primary carcinoma of liver; HEPATOMA; LIVER CELL CARCINOMA. Identifiers: Orphanet 88673, MedGen C2239176, MONDO:0007256, OMIM 114550, HP:0001402.
Desmoid disease, hereditary (DESMD). Also called: FIBROMATOSIS, FAMILIAL INFILTRATIVE. Identifiers: Orphanet 873, MedGen C1851124, OMIM 135290. Disease mechanism: loss of function.
Gastric adenocarcinoma and proximal polyposis of the stomach (GAPPS). Also called: POLYPOSIS, GASTRIC; Gastric Adenocarcinoma and Proximal Polyposis of the Stomach (GAPPS); Polyposis, gastric, Dos Santos and de Magalhaes 1980. Identifiers: Orphanet 314022, MedGen C4749917, MONDO:0017790, OMIM 619182.
Gastric cancer. Also called: Stomach cancer; Malignant tumor of stomach. Identifiers: MedGen C0024623, MeSH D013274, MONDO:0001056, OMIM 613659, HP:0012126.
Colorectal cancer. Also called: Colorectal cancer, somatic; Malignant Colorectal Neoplasm. Identifiers: MedGen C0346629, MONDO:0005575, OMIM 114500.
Classic or attenuated familial adenomatous polyposis. Identifiers: MedGen CN372698, MONDO:0021057.
Hereditary cancer-predisposing syndrome. Also called: Tumor predisposition; Hereditary neoplastic syndrome; Hereditary Cancer Syndrome; Neoplastic Syndromes, Hereditary. Identifiers: Orphanet 140162, MedGen C0027672, MeSH D009386, MONDO:0015356.

Allele frequency attached by ClinVar (database versions not stated): gnomAD 0.00001; ExAC 0.00002.
gnomAD v4.1: 5 of 1,614,024 alleles (0.00031%); highest among the groups gnomAD compares: East Asian, 0.0045%; no homozygotes.

Submissions (10):

Ambry Genetics
Classification: Uncertain significance for Hereditary cancer-predisposing syndrome. Last evaluated: 2025-12-03. Review status: criteria provided, single submitter. Criteria: Ambry Variant Classification Scheme 2023. Collection method: clinical testing. Allele origin: germline.
Comment: The p.T1073I variant (also known as c.3218C>T), located in coding exon 15 of the APC gene, results from a C to T substitution at nucleotide position 3218. The threonine at codon 1073 is replaced by isoleucine, an amino acid with similar properties. This amino acid position is well conserved in available vertebrate species. In addition, in silico predictors for this gene do not accurately predict pathogenicity. Missense variants in APC are not a common cause of disease (Spier I et al. Genet Med. 2024 Feb;26(2):100992). Based on the available evidence, the clinical significance of this variant remains unclear.

Dasa
Classification: Uncertain significance. Last evaluated: 2025-11-21. Review status: criteria provided, single submitter. Criteria: DASA Assertion Criteria. Collection method: clinical testing. Allele origin: germline.
Comment: NM_000038.6(APC):c.3218C>T (p.Thr1073Ile) is a missense variant that results in the substitution of threonine with isoleucine. This variant is rare in population databases. The currently available literature and clinical evidence are not sufficient to establish a definitive association between this variant and the reported condition. Therefore, this variant is classified as a variant of uncertain significance.

Labcorp Genetics (formerly Invitae), Labcorp
Classification: Uncertain significance for Familial adenomatous polyposis 1. Last evaluated: 2025-09-02. Review status: criteria provided, single submitter. Criteria: Invitae Variant Classification Sherloc (09022015). Collection method: clinical testing. Allele origin: germline.
Comment: This sequence change replaces threonine, which is neutral and polar, with isoleucine, which is neutral and non-polar, at codon 1073 of the APC protein (p.Thr1073Ile). This variant is present in population databases (rs773354366, gnomAD 0.01%). This variant has not been reported in the literature in individuals affected with APC-related conditions. ClinVar contains an entry for this variant (Variation ID: 485097). Invitae Evidence Modeling of protein sequence and biophysical properties (such as structural, functional, and spatial information, amino acid conservation, physicochemical variation, residue mobility, and thermodynamic stability) indicates that this missense variant is not expected to disrupt APC protein function with a negative predictive value of 95%. In summary, the available evidence is currently insufficient to determine the role of this variant in disease. Therefore, it has been classified as a Variant of Uncertain Significance.

Color Diagnostics, LLC DBA Color Health
Classification: Uncertain significance for Hereditary cancer-predisposing syndrome. Last evaluated: 2024-08-26. Review status: criteria provided, single submitter. Criteria: ACMG Guidelines, 2015. Collection method: clinical testing. Allele origin: germline.
Comment: This missense variant replaces threonine with isoleucine at codon 1073 of the APC protein. Computational prediction suggests that this variant may not impact protein structure and function (internally defined REVEL score threshold <= 0.5, PMID: 27666373). To our knowledge, functional studies have not been reported for this variant. This variant has not been reported in individuals affected with APC-related disorders in the literature. This variant has been identified in 4/281750 chromosomes in the general population by the Genome Aggregation Database (gnomAD). The available evidence is insufficient to determine the role of this variant in disease conclusively. Therefore, this variant is classified as a Variant of Uncertain Significance.

Fulgent Genetics
Classification: Uncertain significance for Colorectal cancer; Hepatocellular carcinoma; Desmoid disease, hereditary; Familial adenomatous polyposis 1; Gastric cancer; Gastric adenocarcinoma and proximal polyposis of the stomach. Last evaluated: 2024-06-13. Review status: criteria provided, single submitter. Criteria: ACMG Guidelines, 2015. Collection method: clinical testing. Allele origin: germline.

All of Us Research Program, National Institutes of Health
Classification: Uncertain significance for Classic or attenuated familial adenomatous polyposis. Last evaluated: 2023-11-30. Review status: criteria provided, single submitter. Criteria: ACMG Guidelines, 2015. Collection method: clinical testing. Allele origin: germline. Inheritance: Autosomal dominant inheritance. Observed: 3 variant alleles, 3 heterozygotes.
Comment: This missense variant replaces threonine with isoleucine at codon 1073 of the APC protein. Computational prediction suggests that this variant may not impact protein structure and function (internally defined REVEL score threshold <= 0.5, PMID: 27666373). To our knowledge, functional studies have not been reported for this variant. This variant has not been reported in individuals affected with APC-related disorders in the literature. This variant has been identified in 4/281750 chromosomes in the general population by the Genome Aggregation Database (gnomAD). The available evidence is insufficient to determine the role of this variant in disease conclusively. Therefore, this variant is classified as a Variant of Uncertain Significance.

This study involves interpretation of variants in research participants for the purpose of population health screening. Participant phenotype was not available at the time of variant classification. Additional details can be found in publication PMID: 35346344, PMCID: PMC8962531

Baylor Genetics
Classification: Uncertain significance for Familial adenomatous polyposis 1. Last evaluated: 2023-08-01. Review status: criteria provided, single submitter. Criteria: ACMG Guidelines, 2015. Collection method: clinical testing. Allele origin: unknown.

Department of Pathology and Laboratory Medicine, Sinai Health System
Classification: Uncertain significance for classic or attenuated familial adenomatous polyposis. Last evaluated: 2021-07-30. Review status: criteria provided, single submitter. Criteria: ACMG Guidelines, 2015. Collection method: research. Allele origin: germline.

GeneDx
Classification: Uncertain significance. Last evaluated: 2020-02-12. Review status: criteria provided, single submitter. Criteria: GeneDx Variant Classification Process June 2021. Collection method: clinical testing. Allele origin: germline. Affected: yes.
Comment: Has not been previously published as pathogenic or benign to our knowledge; In silico analysis supports that this missense variant does not alter protein structure/function

Mayo Clinic Laboratories, Mayo Clinic
Classification: Uncertain significance. Review status: no assertion criteria provided. Collection method: clinical testing. Allele origin: unknown. Not counted in ClinVar's aggregate classification.

NM_000038.6(APC):c.3218C>T (p.Thr1073Ile)

Gene: APC (APC regulator of Wnt signaling pathway; plus strand). Cytogenetic location: 5q22.2.
Variant type: single nucleotide variant.
Coding change: c.3218C>T on transcript NM_000038.6 (MANE Select); coding-DNA position 3218, C replaced by T.
Protein change: p.Thr1073Ile; replaces threonine 1073 with isoleucine.
Molecular consequence: missense variant.
Genome position (GRCh38, 1-based): chr5:112,838,812, C>T. VCF-style: chr5-112838812-C-T. GRCh37 (hg19) VCF-style: chr5-112174509-C-T.
Other names: c.3218C>T, p.Thr1073Ile (NM_001127510.3, NM_001354895.2); c.3164C>T, p.Thr1055Ile (NM_001127511.3); c.3272C>T, p.Thr1091Ile (NM_001354896.2); c.3248C>T, p.Thr1083Ile (NM_001354897.2); c.3143C>T, p.Thr1048Ile (NM_001354898.2); c.3134C>T, p.Thr1045Ile (NM_001354899.2); c.3095C>T, p.Thr1032Ile (NM_001354900.2); c.3041C>T, p.Thr1014Ile (NM_001354901.2); and 5 more; short protein forms T1055I, T1073I, T1045I, T1048I, T913I, T947I, T982I, T1032I.
Identifiers: ClinVar variation 485097 (VCV000485097.33), dbSNP rs773354366, ClinGen allele CA034684.